The following is an entry in ClinVar:

NM_005235.3(ERBB4):c.2845G>A (p.Val949Ile)

Gene: ERBB4 (erb-b2 receptor tyrosine kinase 4; minus strand). Cytogenetic location: 2q34.
Variant type: single nucleotide variant.
Coding change: c.2845G>A on transcript NM_005235.3 (MANE Select); coding-DNA position 2845, G replaced by A.
Protein change: p.Val949Ile; replaces valine 949 with isoleucine.
Molecular consequence: missense variant.
Genome position (GRCh38, 1-based): chr2:211,424,176, C>T on the plus strand (G>A on the coding strand, the complement: ERBB4 is on the minus strand). VCF-style: chr2-211424176-C-T. GRCh37 (hg19) VCF-style: chr2-212288901-C-T.
Other names: c.2845G>A, p.Val949Ile (NM_001042599.2); short protein forms V949I.
Identifiers: ClinVar variation 1049121 (VCV001049121.9), dbSNP rs376298364, ClinGen allele CA2087620.
Genomic context (GRCh38, chr2:211,424,176, plus strand): 5'-AAGAATGATGATGGTGATAACATTATTTTGCAGTCTTACATTTGACCATGACCATGTAAA[C>T]GTCAATAGTGCAGATGGGAGGCTGAGGCAAACGTTCTCCTTTCTCTAATAAATCAGGGAT-3'
Protein context (NP_005226.1, residues 939-959): LPQPPICTID[Val949Ile]YMVMVKCWMI

ClinVar aggregate classification (germline): Uncertain significance. Review status: criteria provided, single submitter (1 of 4 stars). 3 submissions from 3 submitters: Uncertain significance (1). 2 of the submissions do not count toward it. Last evaluated 2025-03-29.

Conditions:
ERBB4-related disorder. Also called: ERBB4-related condition.

Allele frequency attached by ClinVar (database versions not stated): ExAC 0.00005; ESP Exome Variant Server 0.00008; gnomAD 0.00010 and 0.00011; gnomAD exomes 0.00010 and 0.00015; TOPMed 0.00014; 1000 Genomes Project 30x 0.00016; 1000 Genomes Project 0.00020.
gnomAD v4.1: 228 of 1,613,156 alleles (0.014%); highest among the groups gnomAD compares: Non-Finnish European, 0.017%; no homozygotes.

Submissions (3):

Labcorp Genetics (formerly Invitae), Labcorp
Classification: Uncertain significance. Last evaluated: 2025-03-29. Review status: criteria provided, single submitter. Criteria: Invitae Variant Classification Sherloc (09022015). Collection method: clinical testing. Allele origin: germline.
Comment: This sequence change replaces valine, which is neutral and non-polar, with isoleucine, which is neutral and non-polar, at codon 949 of the ERBB4 protein (p.Val949Ile). This variant is present in population databases (rs376298364, gnomAD 0.02%). This variant has not been reported in the literature in individuals affected with ERBB4-related conditions. ClinVar contains an entry for this variant (Variation ID: 1049121). Invitae Evidence Modeling of protein sequence and biophysical properties (such as structural, functional, and spatial information, amino acid conservation, physicochemical variation, residue mobility, and thermodynamic stability) has been performed for this missense variant. However, the output from this modeling did not meet the statistical confidence thresholds required to predict the impact of this variant on ERBB4 protein function. In summary, the available evidence is currently insufficient to determine the role of this variant in disease. Therefore, it has been classified as a Variant of Uncertain Significance.

PreventionGenetics, part of Exact Sciences
Classification: Uncertain significance for ERBB4-related condition. Last evaluated: 2024-02-23. Review status: no assertion criteria provided. Collection method: clinical testing. Allele origin: germline. Not counted in ClinVar's aggregate classification.
Comment: The ERBB4 c.2845G>A variant is predicted to result in the amino acid substitution p.Val949Ile. To our knowledge, this variant has not been reported in the literature. This variant is reported in 0.017% of alleles in individuals of Latino descent in gnomAD. At this time, the clinical significance of this variant is uncertain due to the absence of conclusive functional and genetic evidence.

Department of Pathology and Laboratory Medicine, Sinai Health System
Classification: Uncertain significance. Review status: no assertion criteria provided. Collection method: clinical testing. Allele origin: unknown. Affected: yes. Study: The Canadian Open Genetics Repository (COGR). Not counted in ClinVar's aggregate classification.
Comment: The ERBB4 p.Val949Ile variant was not identified in the literature nor was it identified in ClinVar or Cosmic. The variant was identified in dbSNP (ID: rs376298364) and LOVD 3.0 (variant effect not shared). The variant was identified in control databases in 29 of 268012 chromosomes at a frequency of 0.0001082 (Genome Aggregation Database March 6, 2019, v2.1.1). The variant was observed in the following populations: Latino in 6 of 35054 chromosomes (freq: 0.000171), European (non-Finnish) in 18 of 117954 chromosomes (freq: 0.000153), Other in 1 of 6698 chromosomes (freq: 0.000149), South Asian in 3 of 30522 chromosomes (freq: 0.000098) and African in 1 of 23598 chromosomes (freq: 0.000042), but was not observed in the Ashkenazi Jewish, East Asian, or European (Finnish) populations. The p.Val949 residue is conserved in mammals and computational analyses (PolyPhen-2, SIFT, AlignGVGD, BLOSUM, MutationTaster) provide inconsistent predictions regarding the impact to the protein; this information is not very predictive of pathogenicity. The variant occurs outside of the splicing consensus sequence and in silico or computational prediction software programs (SpliceSiteFinder, MaxEntScan, NNSPLICE, GeneSplicer) do not predict a difference in splicing. In summary, based on the above information the clinical significance of this variant cannot be determined with certainty at this time. This variant is classified as a variant of uncertain significance.